The following is an entry in ClinVar:

NM_006302.3(MOGS):c.476A>T (p.Gln159Leu)

Gene: MOGS (mannosyl-oligosaccharide glucosidase; minus strand). Cytogenetic location: 2p13.1.
Variant type: single nucleotide variant.
Coding change: c.476A>T on transcript NM_006302.3 (MANE Select); coding-DNA position 476, A replaced by T.
Protein change: p.Gln159Leu; replaces glutamine 159 with leucine.
Molecular consequence: missense variant.
Genome position (GRCh38, 1-based): chr2:74,464,599, T>A on the plus strand (A>T on the coding strand, the complement: MOGS is on the minus strand). VCF-style: chr2-74464599-T-A. GRCh37 (hg19) VCF-style: chr2-74691726-T-A.
Other names: c.476A>T, p.Gln159Leu (LRG_1226t1); c.158A>T, p.Gln53Leu (NM_001146158.2); short protein forms Q159L, Q53L.
Identifiers: ClinVar variation 653283 (VCV000653283.8), dbSNP rs776263791, ClinGen allele CA1725017.

ClinVar aggregate classification (germline): Uncertain significance. Review status: criteria provided, multiple submitters, no conflicts (2 of 4 stars). 3 submissions from 3 submitters: Uncertain significance (3). Last evaluated 2023-01-06.

Conditions:
Inborn genetic diseases. Identifiers: MedGen C0950123, MeSH D030342.
MOGS-congenital disorder of glycosylation. Also called: GLUCOSIDASE I DEFICIENCY; MOGS-CDG; CDG IIb; CDG 2B. Identifiers: Orphanet 79330, MedGen C1853736, MONDO:0011629, OMIM 606056.

Allele frequency attached by ClinVar (database versions not stated): TOPMed 0.00003; ExAC 0.00004; gnomAD 0.00004; gnomAD exomes 0.00005 and 0.00008.
gnomAD v4.1: 125 of 1,613,900 alleles (0.0077%); highest among the groups gnomAD compares: Non-Finnish European, 0.0096%; no homozygotes.

Submissions (3):

Ambry Genetics
Classification: Uncertain significance for Inborn genetic diseases. Last evaluated: 2023-01-06. Review status: criteria provided, single submitter. Criteria: Ambry Variant Classification Scheme 2023. Collection method: clinical testing. Allele origin: germline.

Labcorp Genetics (formerly Invitae), Labcorp
Classification: Uncertain significance for MOGS-congenital disorder of glycosylation. Last evaluated: 2022-09-13. Review status: criteria provided, single submitter. Criteria: Invitae Variant Classification Sherloc (09022015). Collection method: clinical testing. Allele origin: germline.
Comment: This sequence change replaces glutamine, which is neutral and polar, with leucine, which is neutral and non-polar, at codon 159 of the MOGS protein (p.Gln159Leu). This variant is present in population databases (rs776263791, gnomAD 0.01%). This variant has not been reported in the literature in individuals affected with MOGS-related conditions. ClinVar contains an entry for this variant (Variation ID: 653283). Advanced modeling of protein sequence and biophysical properties (such as structural, functional, and spatial information, amino acid conservation, physicochemical variation, residue mobility, and thermodynamic stability) performed at Invitae indicates that this missense variant is expected to disrupt MOGS protein function. In summary, the available evidence is currently insufficient to determine the role of this variant in disease. Therefore, it has been classified as a Variant of Uncertain Significance.

Fulgent Genetics
Classification: Uncertain significance for MOGS-congenital disorder of glycosylation. Last evaluated: 2021-10-29. Review status: criteria provided, single submitter. Criteria: ACMG Guidelines, 2015. Collection method: clinical testing. Allele origin: unknown.